The following is an entry in ClinVar:

ClinVar aggregate classification (germline): Pathogenic (1 of 4 stars; one submission).

Submission:

ISCA site 4
Classification: Pathogenic. Last evaluated: 2011-08-12. Review status: criteria provided, single submitter. Criteria: Kaminsky et al. (Genet Med. 2011). Collection method: clinical testing. Allele origin: unknown. Affected: yes. Observed: 1 variant allele.
Comment: Copy number variation identified through the course of routine clinical cytogenomic testing in postnatal populations. Clinical assertions have been curated as described in Kaminsky et al. 2011.

GRCh38/hg38 15q11.2-13.3(chr15:23319714-32607357)x3

Genes: APBA2 (amyloid beta precursor protein binding family A member 2; plus strand), ARHGAP11A-DT (ARHGAP11A divergent transcript; minus strand), ARHGAP11B (Rho GTPase activating protein 11B), ARHGAP11B-DT (ARHGAP11B divergent transcript), ATP10A (ATPase phospholipid transporting 10A (putative); minus strand) and 210 more. Cytogenetic location: 15q11.2-13.3.
Variant type: copy number gain.
Change: copy number 3 (three copies instead of two) of chr15:23,319,714-32,607,357 (9.29 Mb, GRCh38 coordinates, 1-based), cytogenetic band 15q11.2-13.3.
Identifiers: ClinVar variation 57412 (VCV000057412.1).